The following is an entry in ClinVar:

NM_002878.4(RAD51D):c.140A>C (p.Tyr47Ser)

Genes: RAD51D (RAD51 paralog D; minus strand), RAD51L3-RFFL (RAD51L3-RFFL readthrough; minus strand). Cytogenetic location: 17q12.
Variant type: single nucleotide variant.
Coding change: c.140A>C on transcript NM_002878.4 (MANE Select); coding-DNA position 140, A replaced by C.
Protein change: p.Tyr47Ser; replaces tyrosine 47 with serine.
Molecular consequence: missense variant. On other transcripts: non-coding transcript variant (2).
Genome position (GRCh38, 1-based): chr17:35,119,115, T>G on the plus strand (A>C on the coding strand, the complement: RAD51D is on the minus strand). VCF-style: chr17-35119115-T-G. GRCh37 (hg19) VCF-style: chr17-33446134-T-G.
Other names: c.140A>C, p.Tyr47Ser (NM_001142571.2, NM_133629.3); short protein forms Y47S.
Identifiers: ClinVar variation 4844324 (VCV004844324.1).

ClinVar aggregate classification (germline): Uncertain significance (1 of 4 stars; one submission).

Conditions:
Hereditary cancer-predisposing syndrome. Also called: Neoplastic Syndromes, Hereditary; Tumor predisposition; Hereditary Cancer Syndrome; Hereditary neoplastic syndrome. Identifiers: Orphanet 140162, MedGen C0027672, MeSH D009386, MONDO:0015356.

gnomAD v4.1: 1 of 1,613,426 alleles (0.000062%); highest among the groups gnomAD compares: Non-Finnish European, 0.000085%; no homozygotes.

Submission:

Ambry Genetics
Classification: Uncertain significance for Hereditary cancer-predisposing syndrome. Last evaluated: 2026-02-09. Review status: criteria provided, single submitter. Criteria: Ambry Variant Classification Scheme 2023. Collection method: clinical testing. Allele origin: germline.
Comment: The p.Y47S variant (also known as c.140A>C), located in coding exon 2 of the RAD51D gene, results from an A to C substitution at nucleotide position 140. The tyrosine at codon 47 is replaced by serine, an amino acid with dissimilar properties. This amino acid position is highly conserved in available vertebrate species. In addition, this alteration is predicted to be deleterious by in silico analysis. Based on the available evidence, the clinical significance of this variant remains unclear.